The following is an entry in ClinVar:

ClinVar aggregate classification (germline): Benign. Review status: criteria provided, multiple submitters, no conflicts (2 of 4 stars). 2 submissions from 2 submitters: Benign (2). Last evaluated 2018-01-12.

Conditions:
FLNB-Related Spectrum Disorders.

Allele frequency attached by ClinVar (database versions not stated): 1000 Genomes Project 30x 0.00953; 1000 Genomes Project 0.00958; gnomAD 0.00967 and 0.01036; TOPMed 0.01115.

Submissions (2):

Illumina Laboratory Services, Illumina
Classification: Benign for FLNB-Related Spectrum Disorders. Last evaluated: 2018-01-12. Review status: criteria provided, single submitter. Criteria: ICSL Variant Classification Criteria 13 December 2019. Collection method: clinical testing. Allele origin: germline.
Comment: This variant was observed in the ICSL laboratory as part of a predisposition screen in an ostensibly healthy population. It had not been previously curated by ICSL or reported in the Human Gene Mutation Database (HGMD: prior to June 1st, 2018), and was therefore a candidate for classification through an automated scoring system. Utilizing variant allele frequency, disease prevalence and penetrance estimates, and inheritance mode, an automated score was calculated to assess if this variant is too frequent to cause the disease. Based on the score and internal cut-off values, a variant classified as benign is not then subjected to further curation. The score for this variant resulted in a classification of benign for this disease.

Breakthrough Genomics
Classification: Benign. Review status: criteria provided, single submitter. Criteria: ACMG Guidelines, 2015. Collection method: not provided. Allele origin: germline. Inheritance: Autosomal recessive inheritance. Affected: yes.

NM_001457.4(FLNB):c.*581C>T

Gene: FLNB (filamin B; plus strand). Cytogenetic location: 3p14.3.
Variant type: single nucleotide variant.
Coding change: c.*581C>T on transcript NM_001457.4 (MANE Select); 581 bases downstream of the stop codon, C replaced by T.
Molecular consequence: 3 prime UTR variant.
Genome position (GRCh38, 1-based): chr3:58,171,343, C>T. VCF-style: chr3-58171343-C-T. GRCh37 (hg19) VCF-style: chr3-58157070-C-T.
Other names: c.*581C>T (NM_001164317.2, NM_001164318.2, NM_001164319.2).
Identifiers: ClinVar variation 346375 (VCV000346375.6), dbSNP rs114665501, ClinGen allele CA10617210.
Genomic context (GRCh38, chr3:58,171,343, plus strand): 5'-ATCGCCAACACCCCCATGCTCTGTGGCCTTCTTACACTTCTCAGAGGGCAGAGTGGCAGC[C>T]GGGCACCCTACAGAAACTCAGAGGGCAGAGTGGCAGCCAGGCCCACATGTCTCTCAAGTA-3'